The following is an entry in ClinVar:

ClinVar aggregate classification (germline): Uncertain significance (1 of 4 stars; one submission).

Conditions:
Hereditary cancer-predisposing syndrome. Also called: Neoplastic Syndromes, Hereditary; Hereditary Cancer Syndrome; Tumor predisposition; Hereditary neoplastic syndrome. Identifiers: Orphanet 140162, MedGen C0027672, MeSH D009386, MONDO:0015356.

Submission:

Ambry Genetics
Classification: Uncertain significance for Hereditary cancer-predisposing syndrome. Last evaluated: 2024-12-21. Review status: criteria provided, single submitter. Criteria: Ambry Variant Classification Scheme 2023. Collection method: clinical testing. Allele origin: germline.
Comment: The p.G1063V variant (also known as c.3188G>T), located in coding exon 25 of the POLD1 gene, results from a G to T substitution at nucleotide position 3188. The glycine at codon 1063 is replaced by valine, an amino acid with dissimilar properties. This amino acid position is conserved. In addition, the in silico prediction for this alteration is inconclusive. Based on the available evidence, the clinical significance of this variant remains unclear.

NM_002691.4(POLD1):c.3188G>T (p.Gly1063Val)

Gene: POLD1 (DNA polymerase delta 1, catalytic subunit; plus strand). Cytogenetic location: 19q13.33.
Variant type: single nucleotide variant.
Coding change: c.3188G>T on transcript NM_002691.4 (MANE Select); coding-DNA position 3188, G replaced by T.
Protein change: p.Gly1063Val; replaces glycine 1063 with valine.
Molecular consequence: missense variant. On other transcripts: non-coding transcript variant (1).
Genome position (GRCh38, 1-based): chr19:50,417,239, G>T. VCF-style: chr19-50417239-G-T. GRCh37 (hg19) VCF-style: chr19-50920496-G-T.
Other names: c.3188G>T, p.Gly1063Val (NM_001256849.1); c.3266G>T, p.Gly1089Val (NM_001308632.1); short protein forms G1089V, G1063V.
Identifiers: ClinVar variation 3781368 (VCV003781368.1).